The following is an entry in ClinVar:

ClinVar aggregate classification (germline): Likely pathogenic (0 of 4 stars; one submission).

Conditions:
Ghosal hematodiaphyseal dysplasia. Also called: Ghosal hematodiaphyseal syndrome. Identifiers: Orphanet 1802, MedGen C1856465, MONDO:0009274, OMIM 231095.

Allele frequency attached by ClinVar (database versions not stated): gnomAD exomes below 0.00001.
gnomAD v4.1: 4 of 1,614,256 alleles (0.00025%); highest among the groups gnomAD compares: South Asian, 0.0011%; no homozygotes.

Submission:

ISTH-SSC Genomics in Thrombosis and Hemostasis, KU Leuven, Center for Molecular and Vascular Biology
Classification: Likely pathogenic for Ghosal hematodiaphyseal dysplasia. Review status: no assertion criteria provided. Collection method: research. Allele origin: unknown. Affected: yes.
Comment: Submitted to GoldVariant by Dr Marie-Christine Morel-Kopp from Northern Blood Research Centre, Sydney, Australia

NM_001061.7(TBXAS1):c.859C>T (p.His287Tyr)

Gene: TBXAS1 (thromboxane A synthase 1; plus strand). Cytogenetic location: 7q34.
Variant type: single nucleotide variant.
Coding change: c.859C>T on transcript NM_001061.7 (MANE Select); coding-DNA position 859, C replaced by T.
Protein change: p.His287Tyr; replaces histidine 287 with tyrosine.
Molecular consequence: missense variant.
Genome position (GRCh38, 1-based): chr7:139,961,958, C>T. VCF-style: chr7-139961958-C-T. GRCh37 (hg19) VCF-style: chr7-139661757-C-T.
Other names: c.859C>T, p.His287Tyr (NM_001130966.5, NM_030984.6); c.997C>T, p.His333Tyr (NM_001166253.4); c.658C>T, p.His220Tyr (NM_001166254.4); c.802C>T, p.His268Tyr (NM_001314028.4); c.676C>T, p.His226Tyr (NM_001366537.3); short protein forms H220Y, H226Y, H268Y, H287Y, H333Y.
Identifiers: ClinVar variation 1695387 (VCV001695387.1), dbSNP rs1203779981, ClinGen allele CA369584039.
Genomic context (GRCh38, chr7:139,961,958, plus strand): 5'-TTTTCTCCTTTTGTTCCTTAGAGGCGGAGAGACTTCCTCCAAATGGTCCTGGATGCCCGA[C>T]ATTCTGCAAGTCCCATGGGCGTGCAAGACTTTGACATCGTCAGAGACGTTTTCTCCTCTA-3'
Protein context (NP_001052.3, residues 277-297): DFLQMVLDAR[His287Tyr]SASPMGVQDF